The following is an entry in ClinVar:

ClinVar aggregate classification (germline): Uncertain significance. Review status: criteria provided, multiple submitters, no conflicts (2 of 4 stars). 3 submissions from 3 submitters: Uncertain significance (3). Last evaluated 2022-02-21.

Conditions:
Brugada syndrome 5 (BRGDA5). Identifiers: Orphanet 130, Orphanet 871, MedGen C2748541, MONDO:0013015, OMIM 612838.

Submissions (3):

Women's Health and Genetics/Laboratory Corporation of America, LabCorp
Classification: Uncertain significance. Last evaluated: 2022-02-21. Review status: criteria provided, single submitter. Criteria: LabCorp Variant Classification Summary - May 2015. Collection method: clinical testing. Allele origin: germline.
Comment: Variant summary: SCN1B c.583delG (p.Glu195ArgfsX44) results in a premature termination codon, that is not expected to cause nonsense mediated decay (NMD), but is predicted to cause a truncation of the encoded protein, removing amino acids 195 to 268, and replacing it with 43 incorrect amino acids. No truncations downstream of this position have been reported in affected individuals (HGMD). The variant was absent in 236124 control chromosomes (gnomAD). To our knowledge, no occurrence of c.583delG in individuals affected with SCN1B-Related Disorders and no experimental evidence demonstrating its impact on protein function have been reported. One clinical diagnostic laboratory has submitted clinical-significance assessments for this variant to ClinVar after 2014, and classified the variant as uncertain significance. Based on the evidence outlined above, the variant was classified as uncertain significance.

Labcorp Genetics (formerly Invitae), Labcorp
Classification: Uncertain significance for Brugada syndrome 5. Last evaluated: 2021-06-06. Review status: criteria provided, single submitter. Criteria: Invitae Variant Classification Sherloc (09022015). Collection method: clinical testing. Allele origin: germline.
Comment: This sequence change creates a premature translational stop signal (p.Glu195Argfs*44) in the SCN1B gene. While this is not anticipated to result in nonsense mediated decay, it is expected to disrupt the last 74 amino acid(s) of the SCN1B protein. This variant is not present in population databases (ExAC no frequency). This variant has not been reported in the literature in individuals with SCN1B-related conditions. ClinVar contains an entry for this variant (Variation ID: 452978). Experimental studies and prediction algorithms are not available or were not evaluated, and the functional significance of this variant is currently unknown. In summary, the available evidence is currently insufficient to determine the role of this variant in disease. Therefore, it has been classified as a Variant of Uncertain Significance.

GeneDx
Classification: Uncertain significance. Last evaluated: 2017-10-27. Review status: criteria provided, single submitter. Criteria: GeneDx Variant Classification (06012015). Collection method: clinical testing. Allele origin: germline. Affected: yes.
Comment: The c.583delG variant has not been published as a pathogenic variant, nor has it been reported as a benign variant to our knowledge. The c.583delG variant causes a frameshift starting with codon Glutamic Acid 195, changes this amino acid to an Arginine reside, and creates a premature Stop codon at position 44 of the new reading frame, denotedp.Glu195ArgfsX44. This variant is predicted to cause loss of normal protein function through protein truncation, as the last 74 amino acids are replaced with 43 incorrect amino acids. This variant is not observed in large populationcohorts (Lek et al., 2016). However, other truncating variants downstream of this position have not been reported in the SCN1B gene in association with SCN1B-related disorders (Stenson et al., 2014). Therefore, based on thecurrently available information, it is unclear whether this variant is a pathogenic variant or a rare benign variant.

NM_001037.5(SCN1B):c.448+135del

Gene: SCN1B (sodium voltage-gated channel beta subunit 1; plus strand). Cytogenetic location: 19q13.11.
Variant type: Deletion.
Coding change: c.448+135del on transcript NM_001037.5 (MANE Select); 135 bases into the intron after coding-DNA position 448, one base deleted (G; older notation c.448+135delG).
Molecular consequence: intron variant. On other transcripts: frameshift variant (1).
Genome position (GRCh38, 1-based): chr19:35,033,874, G deleted; the last of 5 consecutive G bases (chr19:35,033,870-35,033,874); deleting any one gives the same sequence. VCF-style (leftmost placement, unchanged base first): chr19-35033869-AG-A. GRCh37 (hg19) VCF-style: chr19-35524773-AG-A.
Other names: c.583del, p.Glu195fs (NM_199037.5); c.349+135del (NM_001321605.2); c.448+135delG (NM_001037.4); short protein forms E195fs.
Identifiers: ClinVar variation 452978 (VCV000452978.10), dbSNP rs761070541, ClinGen allele CA507298783.